The following is an entry in ClinVar:

ClinVar aggregate classification (germline): Uncertain significance (1 of 4 stars; one submission).

Conditions:
Familial adenomatous polyposis 1 (FAP1). Also called: FAMILIAL ADENOMATOUS POLYPOSIS 1, ATTENUATED; POLYPOSIS, ADENOMATOUS INTESTINAL. Identifiers: MedGen C2713442, MONDO:0021056, OMIM 175100. Disease mechanism: loss of function.

gnomAD v4.1: 2 of 464,828 alleles (0.00043%); highest among the groups gnomAD compares: Non-Finnish European, 0.00079%; no homozygotes.

Submission:

Labcorp Genetics (formerly Invitae), Labcorp
Classification: Uncertain significance for Familial adenomatous polyposis 1. Last evaluated: 2024-07-30. Review status: criteria provided, single submitter. Criteria: Invitae Variant Classification Sherloc (09022015). Collection method: clinical testing. Allele origin: germline.
Comment: This variant occurs in a non-coding region of the APC gene. It does not change the encoded amino acid sequence of the APC protein. This variant is not present in population databases (gnomAD no frequency). This variant has not been reported in the literature in individuals affected with APC-related conditions. Experimental studies and prediction algorithms are not available or were not evaluated, and the functional significance of this variant is currently unknown. In summary, the available evidence is currently insufficient to determine the role of this variant in disease. Therefore, it has been classified as a Variant of Uncertain Significance.

NM_001127511.3(APC):c.-203C>T

Genes: APC (APC regulator of Wnt signaling pathway; plus strand), LOC129994371 (ATAC-STARR-seq lymphoblastoid active region 22910; plus strand). Cytogenetic location: 5q22.2.
Variant type: single nucleotide variant.
Coding change: c.-203C>T on transcript NM_001127511.3; 203 bases upstream of the start codon, C replaced by T.
Molecular consequence: 5 prime UTR variant. On other transcripts: non-coding transcript variant (2).
Genome position (GRCh38, 1-based): chr5:112,707,515, C>T. VCF-style: chr5-112707515-C-T. GRCh37 (hg19) VCF-style: chr5-112043212-C-T.
Other names: c.-386C>T (NM_001354895.2, NM_001407447.1, NM_001407452.1 and 3 more transcripts); c.-203C>T (NM_001354897.2, NM_001354902.2, NM_001407446.1); c.-153C>T (NM_001407448.1, NM_001407450.1, NM_001407457.1 and 1 more transcripts); c.-177C>T (NM_001407453.1); c.-1421C>T (NM_001407470.1, NM_001407472.1).
Identifiers: ClinVar variation 1051274 (VCV001051274.7), dbSNP rs1561393114, ClinGen allele CA2499217380.
Genomic context (GRCh38, chr5:112,707,515, plus strand): 5'-AGTCTCCGGGCTGTGGGAAGCCAGCAACACCTCTCACGCATGCGCATTGTAGTCTTCCCA[C>T]CTCCCACAAGATGGCGGAGGGCAAGTAGCAAGGGGGCGGGGTGTGGCCGCCGGAAGCCTA-3'